The following is an entry in ClinVar:

ClinVar aggregate classification (germline): Conflicting classifications of pathogenicity. Review status: criteria provided, conflicting classifications (1 of 4 stars). 4 submissions from 4 submitters: Uncertain significance (1); Likely benign (3). Last evaluated 2024-06-12.

Allele frequency attached by ClinVar (database versions not stated): gnomAD exomes 0.00003; ExAC 0.00004; gnomAD 0.00006; TOPMed 0.00014.
gnomAD v4.1: 90 of 1,613,522 alleles (0.0056%); highest among the groups gnomAD compares: Middle Eastern, 0.13%; 2 homozygotes.

Submissions (4):

Blueprint Genetics
Classification: Uncertain significance. Last evaluated: 2024-06-12. Review status: criteria provided, single submitter. Criteria: ACMG Guidelines, 2015. Collection method: clinical testing. Allele origin: germline.

GeneDx
Classification: Likely benign. Last evaluated: 2017-02-24. Review status: criteria provided, single submitter. Criteria: GeneDx Variant Classification (06012015). Collection method: clinical testing. Allele origin: germline. Affected: yes.
Comment: This variant is considered likely benign or benign based on one or more of the following criteria: it is a conservative change, it occurs at a poorly conserved position in the protein, it is predicted to be benign by multiple in silico algorithms, and/or has population frequency not consistent with disease.

Genetic Services Laboratory, University of Chicago
Classification: Likely benign. Last evaluated: 2017-02-08. Review status: criteria provided, single submitter. Criteria: ACMG Guidelines, 2015. Collection method: clinical testing. Allele origin: germline. Affected: no.

Breakthrough Genomics
Classification: Likely benign. Review status: criteria provided, single submitter. Criteria: ACMG Guidelines, 2015. Collection method: not provided. Allele origin: germline. Inheritance: Autosomal recessive inheritance. Affected: yes.

NM_006420.3(ARFGEF2):c.3120C>T (p.Leu1040=)

Gene: ARFGEF2 (ARF guanine nucleotide exchange factor 2; plus strand). Cytogenetic location: 20q13.13.
Variant type: single nucleotide variant.
Coding change: c.3120C>T on transcript NM_006420.3 (MANE Select); coding-DNA position 3120, C replaced by T.
Protein change: p.Leu1040=; no amino-acid change (leucine 1040 retained).
Molecular consequence: synonymous variant.
Genome position (GRCh38, 1-based): chr20:48,994,597, C>T. VCF-style: chr20-48994597-C-T. GRCh37 (hg19) VCF-style: chr20-47611134-C-T.
Identifiers: ClinVar variation 434285 (VCV000434285.8), dbSNP rs751240187, ClinGen allele CA9898822.